The following is an entry in ClinVar:

NM_000179.3(MSH6):c.2009G>T (p.Gly670Val)

Gene: MSH6 (mutS homolog 6; plus strand). Cytogenetic location: 2p16.3.
Variant type: single nucleotide variant.
Coding change: c.2009G>T on transcript NM_000179.3 (MANE Select); coding-DNA position 2009, G replaced by T.
Protein change: p.Gly670Val; replaces glycine 670 with valine.
Molecular consequence: missense variant. On other transcripts: non-coding transcript variant (5), intron variant (2).
Genome position (GRCh38, 1-based): chr2:47,799,992, G>T. VCF-style: chr2-47799992-G-T. GRCh37 (hg19) VCF-style: chr2-48027131-G-T.
Other names: c.1103G>T, p.Gly368Val (NM_001406811.1, NM_001406812.1, NM_001406814.1 and 6 more transcripts); c.2015G>T, p.Gly672Val (NM_001406813.1); c.1712G>T, p.Gly571Val (NM_001406818.1, NM_001406819.1, NM_001406820.1 and 10 more transcripts); c.1841G>T, p.Gly614Val (NM_001406826.1); c.1606+403G>T (NM_001406817.1); c.628-674G>T (NM_001407362.1); c.1619G>T, p.Gly540Val (NM_001281492.2); c.2105G>T, p.Gly702Val (NM_001406795.1, NM_001406802.1); and 3 more; short protein forms G540V, G614V, G670V, G672V, G495V, G571V, G702V, G368V.
Identifiers: ClinVar variation 4658102 (VCV004658102.1).

ClinVar aggregate classification (germline): Uncertain significance (1 of 4 stars; one submission).

Conditions:
Hereditary cancer-predisposing syndrome. Also called: Neoplastic Syndromes, Hereditary; Tumor predisposition; Hereditary Cancer Syndrome; Hereditary neoplastic syndrome. Identifiers: Orphanet 140162, MedGen C0027672, MeSH D009386, MONDO:0015356.

Submission:

Ambry Genetics
Classification: Uncertain significance for Hereditary cancer-predisposing syndrome. Last evaluated: 2025-11-14. Review status: criteria provided, single submitter. Criteria: Ambry Variant Classification Scheme 2023. Collection method: clinical testing. Allele origin: germline.
Comment: The p.G670V variant (also known as c.2009G>T), located in coding exon 4 of the MSH6 gene, results from a G to T substitution at nucleotide position 2009. The glycine at codon 670 is replaced by valine, an amino acid with dissimilar properties. This amino acid position is conserved. In addition, this alteration is predicted to be deleterious by in silico analysis. Based on the available evidence, the clinical significance of this variant remains unclear.